The following is an entry in ClinVar:

ClinVar aggregate classification (germline): Likely benign (1 of 4 stars; one submission).

Submission:

CeGaT Center for Human Genetics Tuebingen
Classification: Likely benign. Last evaluated: 2023-11-01. Review status: criteria provided, single submitter. Criteria: CeGaT Center For Human Genetics Tuebingen Variant Classification Criteria Version 2. Collection method: clinical testing. Allele origin: germline. Affected: yes. Observed: 1 variant allele.
Comment: OLFM1: BS1

NM_006334.6(OLFM1):c.66+1349CA[8]

Gene: OLFM1 (olfactomedin 1; plus strand). Cytogenetic location: 9q34.3.
Variant type: Microsatellite.
Coding change: c.66+1349CA[8] on transcript NM_006334.6; eight copies in a row of the 2-base unit CA starting at c.66+1349; the reference has nine copies in a row; one copy, 2 bases deleted.
Molecular consequence: intron variant.
Genome position (GRCh38, 1-based): chr9:135,077,167-135,077,168, CA deleted; deleting any 2 consecutive bases within chr9:135,077,151-135,077,168 gives the same sequence; the position shown is the placement nearest the transcript's 3' end. VCF-style (leftmost placement, unchanged base first): chr9-135077150-GCA-G. GRCh37 (hg19) VCF-style: chr9-137968996-GCA-G.
Other names: c.66+1349CA[8] (NM_014279.7).
Identifiers: ClinVar variation 2673203 (VCV002673203.21), dbSNP rs147807021, ClinGen allele CA5322037.
Genomic context (GRCh38, chr9:135,077,150, plus strand): 5'-GAAGGCCTGGTGGAGGGTGGTGGTTGTGCACTGTTGCTGGACAGATGCATTCATTCATGT[GCA>G]CACACACACACACACATGCACACACAGGGGAGCAGATACCTGCAGAGAAGAGCCAACCAG-3'